The following is an entry in ClinVar:

NM_001447.3(FAT2):c.3962G>A (p.Ser1321Asn)

Genes: FAT2 (FAT atypical cadherin 2; minus strand), SLC36A1 (solute carrier family 36 member 1; plus strand). Cytogenetic location: 5q33.1.
Variant type: single nucleotide variant.
Coding change: c.3962G>A on transcript NM_001447.3 (MANE Select); coding-DNA position 3962, G replaced by A.
Protein change: p.Ser1321Asn; replaces serine 1321 with asparagine.
Molecular consequence: missense variant.
Genome position (GRCh38, 1-based): chr5:151,553,371, C>T on the plus strand (G>A on the coding strand, the complement: FAT2 is on the minus strand). VCF-style: chr5-151553371-C-T. GRCh37 (hg19) VCF-style: chr5-150932932-C-T.
Other names: short protein forms S1321N.
Identifiers: ClinVar variation 3375444 (VCV003375444.1).

ClinVar aggregate classification (germline): Uncertain significance (1 of 4 stars; one submission).

gnomAD v4.1: 2 of 1,614,206 alleles (0.00012%); highest among the groups gnomAD compares: Non-Finnish European, 0.00017%; no homozygotes.

Submission:

Women's Health and Genetics/Laboratory Corporation of America, LabCorp
Classification: Uncertain significance. Last evaluated: 2024-09-17. Review status: criteria provided, single submitter. Criteria: LabCorp Variant Classification Summary - May 2015. Collection method: clinical testing. Allele origin: germline.
Comment: Variant summary: FAT2 c.3962G>A (p.Ser1321Asn) results in a conservative amino acid change located in the Cadherin-like domain (IPR002126) of the encoded protein sequence. Five of five in-silico tools predict a benign effect of the variant on protein function. The variant allele was found at a frequency of 4e-06 in 249824 control chromosomes. The available data on variant occurrences in the general population are insufficient to allow any conclusion about variant significance. To our knowledge, no occurrence of c.3962G>A in individuals affected with Spinocerebellar Ataxia 45 and no experimental evidence demonstrating its impact on protein function have been reported. No submitters have cited clinical-significance assessments for this variant to ClinVar. Based on the evidence outlined above, the variant was classified as uncertain significance.